The following is an entry in ClinVar:

ClinVar aggregate classification (germline): Likely pathogenic (1 of 4 stars; one submission).

Conditions:
Dilated cardiomyopathy 1G (CMD1G). Identifiers: Orphanet 154, MedGen C1858763, MONDO:0011400, OMIM 604145.
Autosomal recessive limb-girdle muscular dystrophy type 2J (LGMDR10). Also called: Limb-girdle muscular dystrophy, type 2J; MUSCULAR DYSTROPHY, LIMB-GIRDLE, AUTOSOMAL RECESSIVE 10. Identifiers: Orphanet 140922, MedGen C1837342, MONDO:0012127, OMIM 608807.

Submission:

Labcorp Genetics (formerly Invitae), Labcorp
Classification: Likely pathogenic for Dilated cardiomyopathy 1G; Autosomal recessive limb-girdle muscular dystrophy type 2J. Last evaluated: 2025-05-26. Review status: criteria provided, single submitter. Criteria: Invitae Variant Classification Sherloc (09022015). Collection method: clinical testing. Allele origin: germline.
Comment: This sequence change creates a premature translational stop signal (p.Glu30020*) in the TTN gene. While this is not anticipated to result in nonsense mediated decay, it is expected to create a truncated TTN protein. This variant is not present in population databases (gnomAD no frequency). This variant has not been reported in the literature in individuals affected with TTN-related conditions. ClinVar contains an entry for this variant (Variation ID: 1067594). This variant is located in the A band of TTN (PMID: 25589632). Truncating variants in this region are significantly overrepresented in patients affected with dilated cardiomyopathy (PMID: 25589632). Truncating variants in this region have also been reported in individuals affected with autosomal recessive centronuclear myopathy (PMID: 23975875). In summary, the currently available evidence indicates that the variant is pathogenic, but additional data are needed to prove that conclusively. Therefore, this variant has been classified as Likely Pathogenic.

Literature cited by the submitters: PubMed 25589632; PubMed 23975875.

NM_001267550.2(TTN):c.90058G>T (p.Glu30020Ter)

Genes: TTN (titin; minus strand), TTN-AS1 (TTN antisense RNA 1; plus strand). Cytogenetic location: 2q31.2.
Variant type: single nucleotide variant.
Coding change: c.90058G>T on transcript NM_001267550.2 (MANE Select); coding-DNA position 90058, G replaced by T.
Protein change: p.Glu30020Ter; replaces glutamic acid 30020 with a stop codon.
Molecular consequence: nonsense.
Genome position (GRCh38, 1-based): chr2:178,552,842, C>A on the plus strand (G>T on the coding strand, the complement: TTN is on the minus strand). VCF-style: chr2-178552842-C-A. GRCh37 (hg19) VCF-style: chr2-179417569-C-A.
Other names: c.85135G>T, p.Glu28379Ter (NM_001256850.1); c.62863G>T, p.Glu20955Ter (NM_003319.4); c.82354G>T, p.Glu27452Ter (NM_133378.4); c.63238G>T, p.Glu21080Ter (NM_133432.3); c.63439G>T, p.Glu21147Ter (NM_133437.4); short protein forms E20955*, E21080*, E21147*, E27452*, E28379*, E30020*.
Identifiers: ClinVar variation 1067594 (VCV001067594.9), dbSNP rs1699956677, ClinGen allele CA349514024.
Genomic context (GRCh38, chr2:178,552,842, plus strand): 5'-TCATTGAGAGATCACGTATAGGAGCTGGTACTTCAGCAGCCTTCACTGGCTCTGTAGTTT[C>A]ACAGGGTTCCCCAATTCCAATTTCATTTTCTGCAAGAACTCTGAAGAAGAATGGAGTCTT-3'